The following is an entry in ClinVar:

NM_001098668.4(SFTPA2):c.532G>A (p.Val178Met)

Gene: SFTPA2 (surfactant protein A2; minus strand). Cytogenetic location: 10q22.3.
Variant type: single nucleotide variant.
Coding change: c.532G>A on transcript NM_001098668.4 (MANE Select); coding-DNA position 532, G replaced by A.
Protein change: p.Val178Met; replaces valine 178 with methionine.
Molecular consequence: missense variant.
Genome position (GRCh38, 1-based): chr10:79,557,424, C>T on the plus strand (G>A on the coding strand, the complement: SFTPA2 is on the minus strand). VCF-style: chr10-79557424-C-T. GRCh37 (hg19) VCF-style: chr10-81317180-C-T.
Other names: SFTPA2, VAL178MET (rs371035540); c.532G>A (NM_001098668.3); c.532G>A, p.Val178Met (NM_001320813.2); c.562G>A, p.Val188Met (NM_001320814.1); short protein forms V178M, V188M.
Identifiers: ClinVar variation 985062 (VCV000985062.13), dbSNP rs371035540, ClinGen allele CA5574018.

ClinVar aggregate classification (germline): Conflicting classifications of pathogenicity. Review status: criteria provided, conflicting classifications (1 of 4 stars). 8 submissions from 8 submitters: Pathogenic (1); Likely pathogenic (4); Uncertain significance (2). 1 of the submissions does not count toward it. Last evaluated 2026-03-19.

Conditions:
SFTPA2-related disorder. Also called: SFTPA2-related condition.
Inborn genetic diseases. Identifiers: MedGen C0950123, MeSH D030342.
Interstitial lung disease 2 (ILD2). Also called: FIBROCYSTIC PULMONARY DYSPLASIA; FIBROSING ALVEOLITIS, CRYPTOGENIC; Familial idiopathic pulmonary fibrosis. Identifiers: Orphanet 2032, Orphanet 79126, MedGen C5561926, MONDO:0800497, OMIM 178500, MONDO:0800029.

Allele frequency attached by ClinVar (database versions not stated): gnomAD 0.00001; ESP Exome Variant Server 0.00008.
gnomAD v4.1: 45 of 1,613,790 alleles (0.0028%); highest among the groups gnomAD compares: Non-Finnish European, 0.0037%; no homozygotes.

Submissions (8):

PreventionGenetics, part of Exact Sciences
Classification: Likely pathogenic for SFTPA2-related condition. Last evaluated: 2026-03-19. Review status: criteria provided, single submitter. Criteria: ACMG Guidelines, 2015. Collection method: clinical testing. Allele origin: germline.
Comment: The SFTPA2 c.532G>A variant is predicted to result in the amino acid substitution p.Val178Met. This variant has been reported in several individuals with pulmonary fibrosis (Coghlan et al. 2014. PubMed ID: 25553246; Borie et al. 2019. PubMed ID: 31796085; Sutton et al. 2022. PubMed ID: 36135709). Functional studies showed the p.Val178Met variant resulted in failure of SFTPA2 secretion. This variant occurs within the carbohydrate-binding domain of the SFTPA2 protein. Missense variants within this domain have been reported in association with pulmonary disease (Sutton et al. 2022. PubMed ID: 36135709). This variant is reported in 0.0026% of alleles in individuals of European (non-Finnish) descent in gnomAD. This variant is interpreted as likely pathogenic.

GeneDx
Classification: Likely pathogenic. Last evaluated: 2025-10-30. Review status: criteria provided, single submitter. Criteria: GeneDx Variant Classification Process June 2021. Collection method: clinical testing. Allele origin: germline. Affected: yes.
Comment: Identified in individuals with interstitial lung disease in published literature (PMID: 32855221); Published functional studies demonstrate V178M results in impaired SFTPA2 secretion (Tsui et al., 2018); In silico analysis suggests that this missense variant does not alter protein structure/function; Not observed at significant frequency in large population cohorts (gnomAD); This variant is associated with the following publications: (PMID: 26568241, 25553246, 30854216, 32855221, 36135709, 36622818, 38461429, 40591931, 40491472, 31796085)

Department of Human Genetics, Hannover Medical School
Classification: Likely pathogenic for Interstitial lung disease 2. Last evaluated: 2022-11-25. Review status: criteria provided, single submitter. Criteria: ACMG Guidelines, 2015. Collection method: clinical testing. Allele origin: germline. Inheritance: Autosomal dominant inheritance. Affected: yes.

Blueprint Genetics
Classification: Uncertain significance. Last evaluated: 2022-06-22. Review status: criteria provided, single submitter. Criteria: ACMG Guidelines, 2015. Collection method: clinical testing. Allele origin: germline.

Alder lab, University of Pittsburgh
Classification: Pathogenic for Interstitial lung disease 2. Last evaluated: 2022-02-01. Review status: criteria provided, single submitter. Criteria: ACMG Guidelines, 2015. Collection method: research. Allele origin: germline. Affected: yes. Observed: 2 variant alleles.

Ambry Genetics
Classification: Uncertain significance for Inborn genetic diseases. Last evaluated: 2017-12-20. Review status: criteria provided, single submitter. Criteria: Ambry exome assertion method (8-5-2015). Collection method: clinical testing. Allele origin: germline. Affected: yes. Observed: 1 variant allele.

Juno Genomics, Hangzhou Juno Genomics, Inc
Classification: Likely pathogenic for Interstitial lung disease 2. Review status: criteria provided, single submitter. Criteria: ACMG Guidelines, 2015. Collection method: clinical testing. Allele origin: germline. Affected: yes.
Comment: Absent from controls (or at extremely low frequency if recessive) in Genome Aggregation Database, Exome Sequencing Project, 1000 Genomes Project, or Exome Aggregation Consortium.;Well-established in vitro or in vivo functional studies supportive of a damaging effect on the gene or gene product.;The prevalence of the variant in affected individuals is significantly increased compared to the prevalence in controls.;Co-segregation with disease in multiple affected family members in a gene definitively known to cause the disease.;Patient's phenotype or family history is highly specific for a disease with a single genetic etiology.

OMIM
Classification: Pathogenic for INTERSTITIAL LUNG DISEASE 2. Last evaluated: 2021-11-18. Review status: no assertion criteria provided. Collection method: literature only. Allele origin: germline. Not counted in ClinVar's aggregate classification.

Literature cited by the submitters: PubMed 25553246 (cited by Alder lab, University of Pittsburgh and Ambry Genetics); PubMed 32855221 (cited by Alder lab, University of Pittsburgh and OMIM).